The following is an entry in ClinVar:

ClinVar aggregate classification (germline): Pathogenic (1 of 4 stars; one submission).

Conditions:
Intellectual developmental disorder, autosomal recessive 58. Also called: Intellectual disability, autosomal recessive 58. Identifiers: MedGen C4310641, MONDO:0014996, OMIM 617270.

Allele frequency attached by ClinVar (database versions not stated): gnomAD exomes 0.00001 and 0.00002; TOPMed 0.00002; gnomAD 0.00003.
gnomAD v4.1: 24 of 1,613,982 alleles (0.0015%); highest among the groups gnomAD compares: Non-Finnish European, 0.002%; no homozygotes.

Submission:

Victorian Clinical Genetics Services, Murdoch Childrens Research Institute
Classification: Pathogenic for Intellectual developmental disorder, autosomal recessive 58. Last evaluated: 2018-09-11. Review status: criteria provided, single submitter. Criteria: ACMG Guidelines, 2015. Collection method: clinical testing. Allele origin: maternal. Affected: yes. Observed: 2 variant alleles.
Comment: A heterozygous nonsense variant, NM_001242875.1(ELP2):c.1852C>T, has been identified in exon 17 of 23 of the ELP2 gene. The variant is predicted to result in a premature stop codon at position 618 of the protein (NP_001229804.1(ELP2):p.(Gln618*)), likely causing non-sense mediated decay. This variant is predicted to result in loss of protein function either through truncation (loss of >50% of protein) or nonsense -mediated decay, which is a reported mechanism of pathogenicity for this gene. One other frameshift variant has previously been described in this gene (DECIPHER). The variant is present in the gnomAD database at a frequency of 0.001627% (4 het, 0 hom). Based on the information available at the time of curation, this variant has been classified as PATHOGENIC.

NM_018255.4(ELP2):c.1657C>T (p.Gln553Ter)

Gene: ELP2 (elongator acetyltransferase complex subunit 2; plus strand). Cytogenetic location: 18q12.2.
Variant type: single nucleotide variant.
Coding change: c.1657C>T on transcript NM_018255.4 (MANE Select); coding-DNA position 1657, C replaced by T.
Protein change: p.Gln553Ter; replaces glutamine 553 with a stop codon.
Molecular consequence: nonsense. On other transcripts: non-coding transcript variant (4).
Genome position (GRCh38, 1-based): chr18:36,159,984, C>T. VCF-style: chr18-36159984-C-T. GRCh37 (hg19) VCF-style: chr18-33739947-C-T.
Other names: c.1852C>T, p.Gln618Ter (NM_001242875.3); c.1642C>T, p.Gln548Ter (NM_001242876.3); c.1579C>T, p.Gln527Ter (NM_001242877.3); c.1447C>T, p.Gln483Ter (NM_001242878.3, NM_001242879.3); c.1525C>T, p.Gln509Ter (NM_001324465.2); c.1774C>T, p.Gln592Ter (NM_001324466.2); c.1507C>T, p.Gln503Ter (NM_001324467.2); c.1210C>T, p.Gln404Ter (NM_001324468.2); short protein forms Q527*, Q503*, Q553*, Q618*, Q404*, Q548*, Q592*, Q483*.
Identifiers: ClinVar variation 870397 (VCV000870397.2), dbSNP rs1400164869, ClinGen allele CA402213659.